The following is an entry in ClinVar:

ClinVar aggregate classification (germline): Likely benign. Review status: criteria provided, multiple submitters, no conflicts (2 of 4 stars). 2 submissions from 2 submitters: Likely benign (2). Last evaluated 2026-06-01.

gnomAD v4.1: 16 of 1,612,830 alleles (0.00099%); highest among the groups gnomAD compares: South Asian, 0.0066%; no homozygotes.

Submissions (2):

CeGaT Center for Human Genetics Tuebingen
Classification: Likely benign. Last evaluated: 2026-06-01. Review status: criteria provided, single submitter. Criteria: CeGaT Center For Human Genetics Tuebingen Variant Classification Criteria Version 2. Collection method: clinical testing. Allele origin: germline. Affected: yes. Observed: 1 variant allele.
Comment: CDK5RAP2: BP4, BP7

Labcorp Genetics (formerly Invitae), Labcorp
Classification: Likely benign. Last evaluated: 2025-08-09. Review status: criteria provided, single submitter. Criteria: Invitae Variant Classification Sherloc (09022015). Collection method: clinical testing. Allele origin: germline.

NM_018249.6(CDK5RAP2):c.4464C>T (p.Thr1488=)

Gene: CDK5RAP2 (CDK5 regulatory subunit associated protein 2; minus strand). Cytogenetic location: 9q33.2.
Variant type: single nucleotide variant.
Coding change: c.4464C>T on transcript NM_018249.6 (MANE Select); coding-DNA position 4464, C replaced by T.
Protein change: p.Thr1488=; no amino-acid change (threonine 1488 retained).
Molecular consequence: synonymous variant. On other transcripts: non-coding transcript variant (5).
Genome position (GRCh38, 1-based): chr9:120,409,267, G>A on the plus strand (C>T on the coding strand, the complement: CDK5RAP2 is on the minus strand). VCF-style: chr9-120409267-G-A. GRCh37 (hg19) VCF-style: chr9-123171545-G-A.
Other names: c.4464C>T, p.Thr1488= (NM_001011649.3); c.3774C>T, p.Thr1258= (NM_001272039.2); c.4365C>T, p.Thr1455= (NM_001410992.1); c.4368C>T, p.Thr1456= (NM_001410993.1); c.4461C>T, p.Thr1487= (NM_001410994.1).
Identifiers: ClinVar variation 4739809 (VCV004739809.3).